The following is an entry in ClinVar:

NM_000719.7(CACNA1C):c.478-3T>C

Gene: CACNA1C (calcium voltage-gated channel subunit alpha1 C; plus strand). Cytogenetic location: 12p13.33.
Variant type: single nucleotide variant.
Coding change: c.478-3T>C on transcript NM_000719.7 (MANE Select); 3 bases into the intron before coding-DNA position 478, T replaced by C.
Molecular consequence: intron variant.
Genome position (GRCh38, 1-based): chr12:2,448,973, T>C. VCF-style: chr12-2448973-T-C. GRCh37 (hg19) VCF-style: chr12-2558139-T-C.
Other names: c.478-3T>C (NM_001167624.3, NM_001167623.2, NM_001167625.2 and 19 more transcripts).
Identifiers: ClinVar variation 1450025 (VCV001450025.6), dbSNP rs2154562852, ClinGen allele CA2573148377.

ClinVar aggregate classification (germline): Uncertain significance (1 of 4 stars; one submission).

Conditions:
Long QT syndrome (LQTS). Identifiers: MedGen C0023976, MeSH D008133, MONDO:0002442. Disease mechanism: loss of function. Inheritance: Various modes of inheritance.

Submission:

Labcorp Genetics (formerly Invitae), Labcorp
Classification: Uncertain significance for Long QT syndrome. Last evaluated: 2021-10-04. Review status: criteria provided, single submitter. Criteria: Invitae Variant Classification Sherloc (09022015). Collection method: clinical testing. Allele origin: germline.
Comment: Variants that disrupt the consensus splice site are a relatively common cause of aberrant splicing (PMID: 17576681, 9536098). Algorithms developed to predict the effect of sequence changes on RNA splicing suggest that this variant is not likely to affect RNA splicing. This variant has not been reported in the literature in individuals affected with CACNA1C-related conditions. This variant is not present in population databases (ExAC no frequency). This sequence change falls in intron 3 of the CACNA1C gene. It does not directly change the encoded amino acid sequence of the CACNA1C protein. It affects a nucleotide within the consensus splice site of the intron. In summary, the available evidence is currently insufficient to determine the role of this variant in disease. Therefore, it has been classified as a Variant of Uncertain Significance.

Literature cited by the submitters: PubMed 17576681; PubMed 9536098.